The following is an entry in ClinVar:

ClinVar aggregate classification (germline): Uncertain significance. Review status: criteria provided, multiple submitters, no conflicts (2 of 4 stars). 5 submissions from 5 submitters: Uncertain significance (5). Last evaluated 2025-02-21.

Conditions:
Inborn genetic diseases. Identifiers: MedGen C0950123, MeSH D030342.
Developmental and epileptic encephalopathy, 18 (DEE18). Also called: Early infantile epileptic encephalopathy 18. Identifiers: Orphanet 369894, MedGen C3809624, MONDO:0014201, OMIM 615476.

Allele frequency attached by ClinVar (database versions not stated): gnomAD 0.00002; ExAC 0.00003; gnomAD exomes 0.00003; TOPMed 0.00004.

Submissions (5):

GeneDx
Classification: Uncertain significance. Last evaluated: 2025-02-21. Review status: criteria provided, single submitter. Criteria: GeneDx Variant Classification Process June 2021. Collection method: clinical testing. Allele origin: germline. Affected: yes.
Comment: Not observed at significant frequency in large population cohorts (gnomAD); In silico analysis indicates that this missense variant does not alter protein structure/function; Has not been previously published as pathogenic or benign to our knowledge

Ambry Genetics
Classification: Uncertain significance for Inborn genetic diseases. Last evaluated: 2024-12-02. Review status: criteria provided, single submitter. Criteria: Ambry Variant Classification Scheme 2023. Collection method: clinical testing. Allele origin: germline.

Genome-Nilou Lab
Classification: Uncertain significance for Developmental and epileptic encephalopathy, 18. Last evaluated: 2023-04-11. Review status: criteria provided, single submitter. Criteria: ACMG Guidelines, 2015. Collection method: clinical testing. Allele origin: germline. Affected: no.

Labcorp Genetics (formerly Invitae), Labcorp
Classification: Uncertain significance. Last evaluated: 2022-07-11. Review status: criteria provided, single submitter. Criteria: Invitae Variant Classification Sherloc (09022015). Collection method: clinical testing. Allele origin: germline.
Comment: This sequence change replaces arginine, which is basic and polar, with cysteine, which is neutral and slightly polar, at codon 368 of the SZT2 protein (p.Arg368Cys). This variant is present in population databases (rs753741740, gnomAD 0.008%). This variant has not been reported in the literature in individuals affected with SZT2-related conditions. ClinVar contains an entry for this variant (Variation ID: 857603). Algorithms developed to predict the effect of missense changes on protein structure and function are either unavailable or do not agree on the potential impact of this missense change (SIFT: "Deleterious"; PolyPhen-2: "Probably Damaging"; Align-GVGD: "Class C0"). In summary, the available evidence is currently insufficient to determine the role of this variant in disease. Therefore, it has been classified as a Variant of Uncertain Significance.

Revvity Omics, Revvity
Classification: Uncertain significance for Developmental and epileptic encephalopathy, 18. Last evaluated: 2022-01-03. Review status: criteria provided, single submitter. Criteria: ACMG Guidelines, 2015. Collection method: clinical testing. Allele origin: germline.

NM_001365999.1(SZT2):c.1102C>T (p.Arg368Cys)

Gene: SZT2 (SZT2 subunit of KICSTOR complex; plus strand). Cytogenetic location: 1p34.2.
Variant type: single nucleotide variant.
Coding change: c.1102C>T on transcript NM_001365999.1 (MANE Select); coding-DNA position 1102, C replaced by T.
Protein change: p.Arg368Cys; replaces arginine 368 with cysteine.
Molecular consequence: missense variant.
Genome position (GRCh38, 1-based): chr1:43,420,164, C>T. VCF-style: chr1-43420164-C-T. GRCh37 (hg19) VCF-style: chr1-43885835-C-T.
Other names: c.1102C>T, p.Arg368Cys (NM_015284.4); short protein forms R368C.
Identifiers: ClinVar variation 857603 (VCV000857603.14), dbSNP rs753741740, ClinGen allele CA808337.